The following is an entry in ClinVar:

NM_001430.5(EPAS1):c.949G>C (p.Val317Leu)

Gene: EPAS1 (endothelial PAS domain protein 1; plus strand). Cytogenetic location: 2p21.
Variant type: single nucleotide variant.
Coding change: c.949G>C on transcript NM_001430.5 (MANE Select); coding-DNA position 949, G replaced by C.
Protein change: p.Val317Leu; replaces valine 317 with leucine.
Molecular consequence: missense variant.
Genome position (GRCh38, 1-based): chr2:46,375,752, G>C. VCF-style: chr2-46375752-G-C. GRCh37 (hg19) VCF-style: chr2-46602891-G-C.
Other names: short protein forms V317L.
Identifiers: ClinVar variation 1767148 (VCV001767148.2), dbSNP rs762258398, ClinGen allele CA346702787.

ClinVar aggregate classification (germline): Uncertain significance (1 of 4 stars; one submission).

Conditions:
Inborn genetic diseases. Identifiers: MedGen C0950123, MeSH D030342.

Submission:

Ambry Genetics
Classification: Uncertain significance for Inborn genetic diseases. Last evaluated: 2021-12-04. Review status: criteria provided, single submitter. Criteria: Ambry Variant Classification Scheme 2023. Collection method: clinical testing. Allele origin: germline.
Comment: The p.V317L variant (also known as c.949G>C), located in coding exon 8 of the EPAS1 gene, results from a G to C substitution at nucleotide position 949. The valine at codon 317 is replaced by leucine, an amino acid with highly similar properties. This amino acid position is conserved. In addition, this alteration is predicted to be tolerated by in silico analysis. Since supporting evidence is limited at this time, the clinical significance of this alteration remains unclear.